The following is an entry in ClinVar:

ClinVar aggregate classification (germline): Pathogenic. Review status: criteria provided, single submitter (1 of 4 stars). 2 submissions from 2 submitters: Pathogenic (1). 1 of the submissions does not count toward it. Last evaluated 2021-10-29.

Conditions:
Glutamate pyruvate transaminase 2 deficiency (NEDSPM). Also called: Neurodevelopmental disorder with microcephaly and spastic paraplegia. Identifiers: Orphanet 477673, MedGen C4225388, MONDO:0014567, OMIM 616281.

Allele frequency attached by ClinVar (database versions not stated): 1000 Genomes Project 30x 0.00016.

Submissions (2):

GeneDx
Classification: Pathogenic. Last evaluated: 2021-10-29. Review status: criteria provided, single submitter. Criteria: GeneDx Variant Classification Process June 2021. Collection method: clinical testing. Allele origin: germline. Affected: yes.
Comment: Published functional studies demonstrate a damaging effect on mRNA and protein expression (Ouyang et al., 2016); Nonsense variant predicted to result in protein truncation or nonsense mediated decay in a gene for which loss-of-function is a known mechanism of disease; This variant is associated with the following publications: (PMID: 27601654, 31471722, 28397838)

OMIM
Classification: Pathogenic for NEURODEVELOPMENTAL DISORDER WITH SPASTIC PARAPLEGIA AND MICROCEPHALY. Last evaluated: 2020-11-05. Review status: no assertion criteria provided. Collection method: literature only. Allele origin: germline. Not counted in ClinVar's aggregate classification.

Literature cited by the submitters: PubMed 27601654 (cited by OMIM); PubMed 31471722 (cited by OMIM).

NM_133443.4(GPT2):c.1210C>T (p.Arg404Ter)

Gene: GPT2 (glutamic--pyruvic transaminase 2; plus strand). Cytogenetic location: 16q11.2.
Variant type: single nucleotide variant.
Coding change: c.1210C>T on transcript NM_133443.4 (MANE Select); coding-DNA position 1210, C replaced by T.
Protein change: p.Arg404Ter; replaces arginine 404 with a stop codon.
Molecular consequence: nonsense.
Genome position (GRCh38, 1-based): chr16:46,922,414, C>T. VCF-style: chr16-46922414-C-T. GRCh37 (hg19) VCF-style: chr16-46956326-C-T.
Other names: c.910C>T, p.Arg304Ter (NM_001142466.3); short protein forms R404*, R304*.
Identifiers: ClinVar variation 254655 (VCV000254655.5), dbSNP rs115352435, ClinGen allele CA8038814.